The following is an entry in ClinVar:

ClinVar aggregate classification (germline): Pathogenic. Review status: criteria provided, multiple submitters, no conflicts (2 of 4 stars). 2 submissions from 2 submitters: Pathogenic (2). Last evaluated 2019-08-15.

Conditions:
Intellectual developmental disorder, X-linked, syndromic 14. Also called: Syndromic X-linked intellectual disability 14. Identifiers: Orphanet 776, MedGen C1970822, MONDO:0010398, OMIM 300676.

Submissions (2):

GeneDx
Classification: Pathogenic. Last evaluated: 2019-08-15. Review status: criteria provided, single submitter. Criteria: GeneDx Variant Classification Process June 2021. Collection method: clinical testing. Allele origin: germline. Affected: yes.
Comment: Frameshift variant predicted to result in protein truncation or nonsense mediated decay in a gene for which loss-of-function is a known mechanism of disease; Not observed in large population cohorts (Lek et al., 2016); This variant is associated with the following publications: (PMID: 22609145)

Geisinger Autism and Developmental Medicine Institute, Geisinger Health System
Classification: Pathogenic for Intellectual developmental disorder, X-linked, syndromic 14. Last evaluated: 2017-03-28. Review status: criteria provided, single submitter. Criteria: ACMG Guidelines, 2015. Collection method: provider interpretation, clinical testing. Allele origin: maternal. Affected: yes. Observed: 1 variant allele.
Comment: The c.697_698delAG variant causes a frameshift and is predicted to cause loss of normal protein function either through protein truncation or nonsense-mediated mRNA decay. The variant is absent from population databases.

Literature cited by the submitters: PubMed 17704778 (cited by Geisinger Autism and Developmental Medicine Institute, Geisinger Health System); PubMed 19238151 (cited by Geisinger Autism and Developmental Medicine Institute, Geisinger Health System); PubMed 22609145 (cited by Geisinger Autism and Developmental Medicine Institute, Geisinger Health System).

NM_080632.3(UPF3B):c.697_698del (p.Arg233fs)

Gene: UPF3B (UPF3B regulator of nonsense mediated mRNA decay; minus strand). Cytogenetic location: Xq24.
Variant type: Microsatellite.
Coding change: c.697_698del on transcript NM_080632.3 (MANE Select); coding-DNA positions 697 to 698, 2 bases deleted (AG; older notation c.697_698delAG).
Protein change: p.Arg233fs; shifts the reading frame from arginine 233.
Molecular consequence: frameshift variant.
Genome position (GRCh38, 1-based): chrX:119,841,185-119,841,186, CT deleted on the plus strand (AG on the coding strand, the reverse complement: UPF3B is on the minus strand); deleting any 2 consecutive bases within chrX:119,841,185-119,841,190 gives the same sequence; the c. name uses the placement nearest the transcript's 3' end. VCF-style (leftmost placement, unchanged base first): chrX-119841184-CCT-C. GRCh37 (hg19) VCF-style: chrX-118975147-CCT-C.
Other names: c.697_698del, p.Arg233fs (NM_023010.4); c.697_698delAG (NM_080632.1); short protein forms R233fs.
Identifiers: ClinVar variation 420043 (VCV000420043.5), dbSNP rs1064794254, ClinGen allele CA16621188.
Genomic context (GRCh38, chrX:119,841,184, plus strand): 5'-TATCTTCTTTAGCTTTTCTATATCTTTCCTTTTTCGTTTCTCTTCTTCTTTCCATTTCCT[CCT>C]CTCTTCTTCTCTTTGTCTTTTTCTTTCTATTTCTCTCCTCCTCCTTTCTTCTCTCTTTTC-3'